The following is an entry in ClinVar:

NM_000419.5(ITGA2B):c.2951C>A (p.Thr984Lys)

Gene: ITGA2B (integrin subunit alpha 2b; minus strand). Cytogenetic location: 17q21.31.
Variant type: single nucleotide variant.
Coding change: c.2951C>A on transcript NM_000419.5 (MANE Select); coding-DNA position 2951, C replaced by A.
Protein change: p.Thr984Lys; replaces threonine 984 with lysine.
Molecular consequence: missense variant.
Genome position (GRCh38, 1-based): chr17:44,374,463, G>T on the plus strand (C>A on the coding strand, the complement: ITGA2B is on the minus strand). VCF-style: chr17-44374463-G-T. GRCh37 (hg19) VCF-style: chr17-42451831-G-T.
Other names: short protein forms T984K.
Identifiers: ClinVar variation 952998 (VCV000952998.3), dbSNP rs2048521744, ClinGen allele CA399790180.

ClinVar aggregate classification (germline): Likely pathogenic (3 of 4 stars; one submission).

Conditions:
Glanzmann thrombasthenia. Also called: BLEEDING DISORDER, PLATELET-TYPE, 2; THROMBASTHENIA OF GLANZMANN AND NAEGELI; PLATELET GLYCOPROTEIN IIb-IIIa DEFICIENCY; Glanzmann's thrombasthenia; Thrombasthenia. Identifiers: Orphanet 849, MedGen C0040015, MONDO:0100326.

Submission:

ClinGen Platelet Disorders Variant Curation Expert Panel, ClinGen
Classification: Likely pathogenic for Glanzmann thrombasthenia. Last evaluated: 2023-09-07. Review status: reviewed by expert panel. Criteria: ClinGen Platelet ACMG Specifications v2-1. Collection method: curation. Allele origin: germline. Inheritance: Autosomal recessive inheritance.
Comment: The missense variant NM_000419.5(ITGA2B):c.2951C>A (p.Thr984Lys) has been reported in one homozygous proband (PM3_supporting) who meets the criteria for PP4_strong, including mucocutaneous bleeding, impaired aggregation with all agonists except ristocetin, and <5% surface expression of αIIbβ3 measured by flow cytometry (PMID: 25728920). The variant is absent from population databases, including gnomADv2.1.1 (PM2_supporting). Multiple lines of computational evidence support a deleterious effect with a REVEL score of 0.774 (PP3). In summary, this variant meets criteria to be classified as likely pathogenic for GT. GT-specific criteria applied: PM2_supporting, PP3, PM3_supporting, PP4_strong.

Literature cited by the submitters: PubMed 25728920.